The following is an entry in ClinVar:

NM_005045.4(RELN):c.9984-186G>A

Genes: RELN (reelin; minus strand), SLC26A5-AS1 (SLC26A5 antisense RNA 1; plus strand). Cytogenetic location: 7q22.1.
Variant type: single nucleotide variant.
Coding change: c.9984-186G>A on transcript NM_005045.4 (MANE Select); 186 bases into the intron before coding-DNA position 9984, G replaced by A.
Molecular consequence: intron variant.
Genome position (GRCh38, 1-based): chr7:103,484,036, C>T on the plus strand (G>A on the coding strand, the complement: RELN is on the minus strand). VCF-style: chr7-103484036-C-T. GRCh37 (hg19) VCF-style: chr7-103124483-C-T.
Other names: c.9984-186G>A (NM_173054.3).
Identifiers: ClinVar variation 678362 (VCV000678362.1), dbSNP rs10271688, ClinGen allele CA163899385.
Genomic context (GRCh38, chr7:103,484,036, plus strand): 5'-TTCAAGCGATTTTCCTGCCTCGGTCTCCCTAGTAGCTGGCATAACAGGTGTGCGCCACCA[C>T]GCCTGGCTAATTTTTGTATTTTTAGTATAGACGGGGTTTTGACATGTTGTCCAGGCTGGT-3'

ClinVar aggregate classification (germline): Likely benign (1 of 4 stars; one submission).

Allele frequency attached by ClinVar (database versions not stated): gnomAD 0.01094 and 0.01161; TOPMed 0.01254; 1000 Genomes Project 0.01478; 1000 Genomes Project 30x 0.01749.
gnomAD v4.1: 1,639 of 152,052 alleles (1.1%); highest among the groups gnomAD compares: African/African-American, 3.8%; 26 homozygotes.

Submission:

GeneDx
Classification: Likely benign. Last evaluated: 2018-06-16. Review status: criteria provided, single submitter. Criteria: GeneDx Variant Classification (06012015). Collection method: clinical testing. Allele origin: germline. Affected: yes.
Comment: This variant is considered likely benign or benign based on one or more of the following criteria: it is a conservative change, it occurs at a poorly conserved position in the protein, it is predicted to be benign by multiple in silico algorithms, and/or has population frequency not consistent with disease.